The following is an entry in ClinVar:

NM_000827.4(GRIA1):c.2392A>G (p.Thr798Ala)

Gene: GRIA1 (glutamate ionotropic receptor AMPA type subunit 1; plus strand). Cytogenetic location: 5q33.2.
Variant type: single nucleotide variant.
Coding change: c.2392A>G on transcript NM_000827.4 (MANE Select); coding-DNA position 2392, A replaced by G.
Protein change: p.Thr798Ala; replaces threonine 798 with alanine.
Molecular consequence: missense variant. On other transcripts: non-coding transcript variant (2).
Genome position (GRCh38, 1-based): chr5:153,802,362, A>G. VCF-style: chr5-153802362-A-G. GRCh37 (hg19) VCF-style: chr5-153181922-A-G.
Other names: c.2392A>G, p.Thr798Ala (NM_001114183.2); c.2152A>G, p.Thr718Ala (NM_001258019.2); c.2107A>G, p.Thr703Ala (NM_001258020.2); c.2422A>G, p.Thr808Ala (NM_001258021.2, NM_001258022.2); c.2185A>G, p.Thr729Ala (NM_001258023.1, NM_001364167.2); c.2224A>G, p.Thr742Ala (NM_001364165.2); c.2419A>G, p.Thr807Ala (NM_001364166.2); short protein forms T703A, T718A, T729A, T742A, T798A, T807A, T808A.
Identifiers: ClinVar variation 1707823 (VCV001707823.2), dbSNP rs2481104756, ClinGen allele CA362001630.

ClinVar aggregate classification (germline): Uncertain significance (1 of 4 stars; one submission).

Submission:

GeneDx
Classification: Uncertain significance. Last evaluated: 2022-04-01. Review status: criteria provided, single submitter. Criteria: GeneDx Variant Classification Process June 2021. Collection method: clinical testing. Allele origin: germline. Affected: yes.
Comment: Not observed at significant frequency in large population cohorts (gnomAD); In silico analysis supports that this missense variant does not alter protein structure/function; Has not been previously published as pathogenic or benign to our knowledge